The following is an entry in ClinVar:

NM_003014.4(SFRP4):c.24G>A (p.Ala8=)

Gene: SFRP4 (secreted frizzled related protein 4; minus strand). Cytogenetic location: 7p14.1.
Variant type: single nucleotide variant.
Coding change: c.24G>A on transcript NM_003014.4 (MANE Select); coding-DNA position 24, G replaced by A.
Protein change: p.Ala8=; no amino-acid change (alanine 8 retained).
Molecular consequence: synonymous variant.
Genome position (GRCh38, 1-based): chr7:37,916,514, C>T on the plus strand (G>A on the coding strand, the complement: SFRP4 is on the minus strand). VCF-style: chr7-37916514-C-T. GRCh37 (hg19) VCF-style: chr7-37956116-C-T.
Other names: c.24G>A (NM_003014.3).
Identifiers: ClinVar variation 1534744 (VCV001534744.10), dbSNP rs780871022, ClinGen allele CA4222977.
Genomic context (GRCh38, chr7:37,916,514, plus strand): 5'-GCGCACCGCCTCGCAGGGCGCGCCGCGCACGCCCAGCGCCAGGTGCAGCCACAGGCACAG[C>T]GCCACTAGGATGGAGAGGAACATGGCACTGCCCTCTCGCGCTGCGACCCCGGCAGACAGA-3'
Protein context (NP_003005.2, residues 1-18): MFLSILV[Ala8=]LCLWLHLALG

ClinVar aggregate classification (germline): Likely benign. Review status: criteria provided, single submitter (1 of 4 stars). 2 submissions from 2 submitters: Likely benign (1). 1 of the submissions does not count toward it. Last evaluated 2021-07-08.

Conditions:
SFRP4-related disorder. Also called: SFRP4-related condition.

Allele frequency attached by ClinVar (database versions not stated): TOPMed 0.00002.
gnomAD v4.1: 8 of 1,610,294 alleles (0.0005%); highest among the groups gnomAD compares: Admixed American, 0.013%; no homozygotes.

Submissions (2):

Labcorp Genetics (formerly Invitae), Labcorp
Classification: Likely benign. Last evaluated: 2021-07-08. Review status: criteria provided, single submitter. Criteria: Invitae Variant Classification Sherloc (09022015). Collection method: clinical testing. Allele origin: germline.

PreventionGenetics, part of Exact Sciences
Classification: Likely benign for SFRP4-related condition. Last evaluated: 2020-01-20. Review status: no assertion criteria provided. Collection method: clinical testing. Allele origin: germline. Not counted in ClinVar's aggregate classification.
Comment: This variant is classified as likely benign based on ACMG/AMP sequence variant interpretation guidelines (Richards et al. 2015 PMID: 25741868, with internal and published modifications).